The following is an entry in ClinVar:

ClinVar aggregate classification (germline): Uncertain significance. Review status: criteria provided, multiple submitters, no conflicts (2 of 4 stars). 2 submissions from 2 submitters: Uncertain significance (2). Last evaluated 2021-02-25.

Conditions:
Pheochromocytoma/paraganglioma syndrome 4. Also called: CAROTID BODY TUMORS AND MULTIPLE EXTRAADRENAL PHEOCHROMOCYTOMAS; SDHB-Related Hereditary Paraganglioma-Pheochromocytoma Syndrome; Paragangliomas 4; SDHB-Related Hereditary Paraganglioma-Pheochromocytoma Syndrome (Paragangliomas 4); PARAGANGLIOMA, FAMILIAL MALIGNANT; PARAGANGLIOMAS, HEREDITARY EXTRAADRENAL. Identifiers: Orphanet 29072, MedGen C1861848, MONDO:0007273, OMIM 115310.
Gastrointestinal stromal tumor. Also called: Gastrointestinal stromal tumor, somatic; Gastrointestinal stroma tumor. Identifiers: Orphanet 44890, MedGen C0238198, MeSH D046152, MONDO:0011719, OMIM 606764, HP:0100723.
Pheochromocytoma. Also called: MAX-Related Hereditary Paraganglioma-Pheochromocytoma Syndrome. Identifiers: Orphanet 29072, MedGen C0031511, MONDO:0008233, OMIM 171300, HP:0002666.

Allele frequency attached by ClinVar (database versions not stated): gnomAD exomes below 0.00001.
gnomAD v4.1: 1 of 1,612,812 alleles (0.000062%); highest among the groups gnomAD compares: Non-Finnish European, 0.000085%; no homozygotes.

Submissions (2):

GeneDx
Classification: Uncertain significance. Last evaluated: 2021-02-25. Review status: criteria provided, single submitter. Criteria: GeneDx Variant Classification Process June 2021. Collection method: clinical testing. Allele origin: germline. Affected: yes.
Comment: Not observed in large population cohorts (Lek 2016); Has not been previously published as pathogenic or benign to our knowledge; In silico analysis suggests this variant may impact gene splicing. In the absence of RNA/functional studies, the actual effect of this sequence change is unknown.; In silico analysis supports that this missense variant does not alter protein structure/function

Labcorp Genetics (formerly Invitae), Labcorp
Classification: Uncertain significance for Gastrointestinal stromal tumor; Pheochromocytoma/paraganglioma syndrome 4; Pheochromocytoma. Last evaluated: 2020-03-19. Review status: criteria provided, single submitter. Criteria: Invitae Variant Classification Sherloc (09022015). Collection method: clinical testing. Allele origin: germline.
Comment: Algorithms developed to predict the effect of missense changes on protein structure and function output the following: SIFT: "Tolerated"; PolyPhen-2: "Benign"; Align-GVGD: "Class C0". The valine amino acid residue is found in multiple mammalian species, suggesting that this missense change does not adversely affect protein function. These predictions have not been confirmed by published functional studies and their clinical significance is uncertain. This variant is not present in population databases (ExAC no frequency). This variant has not been reported in the literature in individuals with SDHB-related conditions. Algorithms developed to predict the effect of sequence changes on RNA splicing suggest that this variant may create or strengthen a splice site, but this prediction has not been confirmed by published transcriptional studies. In summary, the available evidence is currently insufficient to determine the role of this variant in disease. Therefore, it has been classified as a Variant of Uncertain Significance. This sequence change replaces alanine with valine at codon 271 of the SDHB protein (p.Ala271Val). The alanine residue is moderately conserved and there is a small physicochemical difference between alanine and valine.

NM_003000.3(SDHB):c.812C>T (p.Ala271Val)

Gene: SDHB (succinate dehydrogenase complex iron sulfur subunit B; minus strand). Cytogenetic location: 1p36.13.
Variant type: single nucleotide variant.
Coding change: c.812C>T on transcript NM_003000.3 (MANE Select); coding-DNA position 812, C replaced by T.
Protein change: p.Ala271Val; replaces alanine 271 with valine.
Molecular consequence: missense variant.
Genome position (GRCh38, 1-based): chr1:17,018,912, G>A on the plus strand (C>T on the coding strand, the complement: SDHB is on the minus strand). VCF-style: chr1-17018912-G-A. GRCh37 (hg19) VCF-style: chr1-17345407-G-A.
Other names: short protein forms A271V.
Identifiers: ClinVar variation 1015358 (VCV001015358.7), dbSNP rs2077945936, ClinGen allele CA338268829.